The following is an entry in ClinVar:

NM_001130823.3(DNMT1):c.1790_1804del (p.Met597_Ile601del)

Gene: DNMT1 (DNA methyltransferase 1; minus strand). Cytogenetic location: 19p13.2.
Variant type: Deletion.
Coding change: c.1790_1804del on transcript NM_001130823.3 (MANE Select); coding-DNA positions 1790 to 1804, 15 bases deleted (TGCGGGACCTGATCA).
Protein change: p.Met597_Ile601del.
Molecular consequence: inframe deletion.
Genome position (GRCh38, 1-based): chr19:10,154,614-10,154,628, TGATCAGGTCCCGCA deleted on the plus strand (TGCGGGACCTGATCA on the coding strand, the reverse complement: DNMT1 is on the minus strand); deleting any 15 consecutive bases within chr19:10,154,614-10,154,630 gives the same sequence; the c. name uses the placement nearest the transcript's 3' end. VCF-style (leftmost placement, unchanged base first): chr19-10154613-TTGATCAGGTCCCGCA-T. GRCh37 (hg19) VCF-style: chr19-10265289-TTGATCAGGTCCCGCA-T.
Other names: c.1742_1756del, p.Met581_Ile585del (NM_001318730.2, NM_001379.4); c.1427_1441del, p.Met476_Ile480del (NM_001318731.2).
Identifiers: ClinVar variation 4720018 (VCV004720018.1).

ClinVar aggregate classification (germline): Uncertain significance (1 of 4 stars; one submission).

Conditions:
Hereditary sensory neuropathy-deafness-dementia syndrome. Also called: Hereditary sensory neuropathy type IE; HSN IE; NEUROPATHY, HEREDITARY SENSORY, WITH HEARING LOSS AND DEMENTIA; Hereditary Sensory and Autonomic Neuropathy Type 1E (HSAN1E). Identifiers: Orphanet 456318, MedGen C3279885, MONDO:0013584, OMIM 614116.

Submission:

Labcorp Genetics (formerly Invitae), Labcorp
Classification: Uncertain significance for Hereditary sensory neuropathy-deafness-dementia syndrome. Last evaluated: 2025-05-22. Review status: criteria provided, single submitter. Criteria: Invitae Variant Classification Sherloc (09022015). Collection method: clinical testing. Allele origin: germline.
Comment: This variant, c.1790_1804del, results in the deletion of 5 amino acid(s) of the DNMT1 protein (p.Met597_Ile601del), but otherwise preserves the integrity of the reading frame. This variant is not present in population databases (gnomAD no frequency). This variant has not been reported in the literature in individuals affected with DNMT1-related conditions. Experimental studies and prediction algorithms are not available or were not evaluated, and the functional significance of this variant is currently unknown. In summary, the available evidence is currently insufficient to determine the role of this variant in disease. Therefore, it has been classified as a Variant of Uncertain Significance.